The following is an entry in ClinVar:

NR_003051.4(RMRP):n.91C>G

Gene: RMRP (RNA component of mitochondrial RNA processing endoribonuclease; minus strand). Cytogenetic location: 9p13.3.
Variant type: single nucleotide variant.
Molecular consequence: non-coding transcript variant (on NR_003051.4).
Genome position: GRCh38 VCF-style: chr9-35657929-G-C. GRCh37 (hg19) VCF-style: chr9-35657926-G-C.
Identifiers: ClinVar variation 3629939 (VCV003629939.1).

ClinVar aggregate classification (germline): Uncertain significance (1 of 4 stars; one submission).

gnomAD v4.1: 1 of 700,356 alleles (0.00014%); highest among the groups gnomAD compares: African/African-American, 0.0017%; no homozygotes.

Submission:

Women's Health and Genetics/Laboratory Corporation of America, LabCorp
Classification: Uncertain significance. Last evaluated: 2024-11-21. Review status: criteria provided, single submitter. Criteria: LabCorp Variant Classification Summary - May 2015. Collection method: clinical testing. Allele origin: germline.
Comment: Variant summary: RMRP n.90C>G (also known as NC_000009.11: chr9:g.35657926G>C) alters a nucleotide in the non-coding RNA. The variant was absent in 130496 control chromosomes (gnomAD). The available data on variant occurrences in the general population are insufficient to allow any conclusion about variant significance. The variant, n.90C>G (also known as 89C>G), has been reported in the literature in a compound heterozygous individual affected with Cartilage-Hair Hypoplasia (Hermanns_2005, 2006). Authors of these studies also reported that RMRP RNA expression level was 6-7-fold lower in this patient (Hermanns_2005). The following publications have been ascertained in the context of this evaluation (PMID: 16838329, 16254002). No submitters have cited clinical-significance assessments for this variant to ClinVar. Based on the evidence outlined above, the variant was classified as uncertain significance.

Literature cited by the submitters: PubMed 16254002; PubMed 16838329.